The following is an entry in ClinVar:

ClinVar aggregate classification (germline): Uncertain significance (1 of 4 stars; one submission).

Conditions:
Bloom syndrome (BLM). Also called: Bloom-Torre-Machacek syndrome. Identifiers: Orphanet 125, MedGen C0005859, MONDO:0008876, OMIM 210900.

Submission:

Labcorp Genetics (formerly Invitae), Labcorp
Classification: Uncertain significance for Bloom syndrome. Last evaluated: 2023-02-10. Review status: criteria provided, single submitter. Criteria: Invitae Variant Classification Sherloc (09022015). Collection method: clinical testing. Allele origin: germline.
Comment: This sequence change replaces asparagine, which is neutral and polar, with histidine, which is basic and polar, at codon 1393 of the BLM protein (p.Asn1393His). This variant is not present in population databases (gnomAD no frequency). This variant has not been reported in the literature in individuals affected with BLM-related conditions. Algorithms developed to predict the effect of missense changes on protein structure and function are either unavailable or do not agree on the potential impact of this missense change (SIFT: "Deleterious"; PolyPhen-2: "Benign"; Align-GVGD: "Class C0"). In summary, the available evidence is currently insufficient to determine the role of this variant in disease. Therefore, it has been classified as a Variant of Uncertain Significance.

NM_000057.4(BLM):c.4177A>C (p.Asn1393His)

Gene: BLM (BLM RecQ like helicase; plus strand). Cytogenetic location: 15q26.1.
Variant type: single nucleotide variant.
Coding change: c.4177A>C on transcript NM_000057.4 (MANE Select); coding-DNA position 4177, A replaced by C.
Protein change: p.Asn1393His; replaces asparagine 1393 with histidine.
Molecular consequence: missense variant.
Genome position (GRCh38, 1-based): chr15:90,815,202, A>C. VCF-style: chr15-90815202-A-C. GRCh37 (hg19) VCF-style: chr15-91358432-A-C.
Other names: c.4177A>C, p.Asn1393His (NM_001287246.2); c.3784A>C, p.Asn1262His (NM_001287247.2); c.3052A>C, p.Asn1018His (NM_001287248.2); short protein forms N1018H, N1393H, N1262H.
Identifiers: ClinVar variation 2835970 (VCV002835970.3), dbSNP rs548600410, ClinGen allele CA393852486.
Genomic context (GRCh38, chr15:90,815,202, plus strand): 5'-TCCTCCAGCATCATTGGATCCAGTTCAGCCTCACATACTTCTCAAGCGACATCAGGAGCC[A>C]ATAGCAAATTGGGGATTATGGCTCCACCGAAGCCTATAAATAGACCGTTTCTTAAGCCTT-3'
Protein context (NP_000048.1, residues 1383-1403): SHTSQATSGA[Asn1393His]SKLGIMAPPK